The following is an entry in ClinVar:

NM_005765.3(ATP6AP2):c.166G>A (p.Glu56Lys)

Gene: ATP6AP2 (ATPase H+ transporting accessory protein 2; plus strand). Cytogenetic location: Xp11.4.
Variant type: single nucleotide variant.
Coding change: c.166G>A on transcript NM_005765.3 (MANE Select); coding-DNA position 166, G replaced by A.
Protein change: p.Glu56Lys; replaces glutamic acid 56 with lysine.
Molecular consequence: missense variant.
Genome position (GRCh38, 1-based): chrX:40,589,114, G>A. VCF-style: chrX-40589114-G-A. GRCh37 (hg19) VCF-style: chrX-40448366-G-A.
Other names: short protein forms E56K.
Identifiers: ClinVar variation 3458290 (VCV003458290.1).
Genomic context (GRCh38, chrX:40,589,114, plus strand): 5'-CCTATACCAGGAGAGCGGATCCCAGACGTGGCTGCATTGTCCATGGGCTTCTCTGTGAAA[G>A]AAGTATGTATATATTTTTTAAATGTTTGGAGCTGCTTTTAAGAACATTTTTACTGATTTC-3'
Protein context (NP_005756.2, residues 46-66): AALSMGFSVK[Glu56Lys]DLSWPGLAVG

ClinVar aggregate classification (germline): Uncertain significance (1 of 4 stars; one submission).

Conditions:
Inborn genetic diseases. Identifiers: MedGen C0950123, MeSH D030342.

Submission:

Ambry Genetics
Classification: Uncertain significance for Inborn genetic diseases. Last evaluated: 2024-09-05. Review status: criteria provided, single submitter. Criteria: Ambry Variant Classification Scheme 2023. Collection method: clinical testing. Allele origin: germline.
Comment: The c.166G>A (p.E56K) alteration is located in exon 2 (coding exon 2) of the ATP6AP2 gene. This alteration results from a G to A substitution at nucleotide position 166, causing the glutamic acid (E) at amino acid position 56 to be replaced by a lysine (K). This variant was not reported in population-based cohorts in the Genome Aggregation Database (gnomAD). This amino acid position is highly conserved in available vertebrate species. This alteration is predicted to be tolerated by in silico analysis. Based on insufficient or conflicting evidence, the clinical significance of this alteration remains unclear.